The following is an entry in ClinVar:

NM_004369.4(COL6A3):c.6640G>A (p.Gly2214Ser)

Gene: COL6A3 (collagen type VI alpha 3 chain; minus strand). Cytogenetic location: 2q37.3.
Variant type: single nucleotide variant.
Coding change: c.6640G>A on transcript NM_004369.4 (MANE Select); coding-DNA position 6640, G replaced by A.
Protein change: p.Gly2214Ser; replaces glycine 2214 with serine.
Molecular consequence: missense variant.
Genome position (GRCh38, 1-based): chr2:237,353,391, C>T on the plus strand (G>A on the coding strand, the complement: COL6A3 is on the minus strand). VCF-style: chr2-237353391-C-T. GRCh37 (hg19) VCF-style: chr2-238262034-C-T.
Other names: c.4819G>A, p.Gly1607Ser (NM_057166.5); c.6022G>A, p.Gly2008Ser (NM_057167.4); short protein forms G2214S, G1607S, G2008S.
Identifiers: ClinVar variation 289044 (VCV000289044.15), dbSNP rs777454204, ClinGen allele CA2188147.
Genomic context (GRCh38, chr2:237,353,391, plus strand): 5'-AAGCACTCACCTGTGCACCTCTGGTCCCCTGCTCTCCCTCAAAGCCCGGCTGGCCAGGAC[C>T]GCCCTTGTTGCCCTTTGAAATAAGAGAAGATGCAGGGAGGAGTCAGGATGGTTCCTGTCA-3'
Protein context (NP_004360.2, residues 2204-2224): GPPGAKGNKG[Gly2214Ser]PGQPGFEGEQ

ClinVar aggregate classification (germline): Conflicting classifications of pathogenicity. Review status: criteria provided, conflicting classifications (1 of 4 stars). 4 submissions from 4 submitters: Uncertain significance (3); Benign (1). Last evaluated 2025-11-03.

Conditions:
COL6A3-related disorder. Also called: COL6A3-related condition; COL6A3-related disorders.
Bethlem myopathy 1A. Also called: MYOPATHY, BENIGN CONGENITAL, WITH CONTRACTURES; Bethlem myopathy 1; Bethlem Muscular Dystrophy. Identifiers: Orphanet 610, MedGen CN029274, MONDO:0024530, OMIM 158810.

Allele frequency attached by ClinVar (database versions not stated): TOPMed 0.00002; ExAC 0.00004; gnomAD exomes 0.00004; gnomAD 0.00005.
gnomAD v4.1: 25 of 1,613,984 alleles (0.0015%); highest among the groups gnomAD compares: African/African-American, 0.011%; no homozygotes.

Submissions (4):

PreventionGenetics, part of Exact Sciences
Classification: Uncertain significance for COL6A3-related condition. Last evaluated: 2025-11-03. Review status: criteria provided, single submitter. Criteria: ACMG Guidelines, 2015. Collection method: clinical testing. Allele origin: germline.
Comment: The COL6A3 c.6640G>A variant is predicted to result in the amino acid substitution p.Gly2214Ser. To our knowledge, this variant has not been reported in individuals with COL6A3-related disease. This variant is reported in 0.016% of alleles in individuals of South Asian descent in gnomAD. It occurs in the conserved Gly-X-Y triple helical domain where substitution of a glycine residue is usually pathogenic (Butterfield et al. 2013. PubMed ID: 24038877); however, this glycine substitution affects the second amino acid (X-position) not the primary glycine of the triple Gly-X-Y repeat. This variant is associated with conflicting classifications listed in ClinVar ranging from benign to uncertain (ClinVar ID: 289044). At this time, the clinical significance of this variant is uncertain due to the absence of conclusive functional and genetic evidence.

Labcorp Genetics (formerly Invitae), Labcorp
Classification: Benign for Bethlem myopathy 1A. Last evaluated: 2025-02-20. Review status: criteria provided, single submitter. Criteria: Invitae Variant Classification Sherloc (09022015). Collection method: clinical testing. Allele origin: germline.

Revvity Omics, Revvity
Classification: Uncertain significance. Last evaluated: 2023-04-27. Review status: criteria provided, single submitter. Criteria: ACMG Guidelines, 2015. Collection method: clinical testing. Allele origin: germline.

Eurofins Ntd Llc (ga)
Classification: Uncertain significance. Last evaluated: 2016-06-27. Review status: criteria provided, single submitter. Criteria: EGL Classification Definitions 2015. Collection method: clinical testing. Allele origin: germline. Observed: 1 variant allele, 1 heterozygote.